The following is an entry in ClinVar:

NM_004006.3(DMD):c.9974+2T>A

Gene: DMD (dystrophin; minus strand). Cytogenetic location: Xp21.2.
Variant type: single nucleotide variant.
Coding change: c.9974+2T>A on transcript NM_004006.3 (MANE Select); the canonical splice donor site of the intron after coding-DNA position 9974, T replaced by A.
Molecular consequence: splice donor variant.
Genome position (GRCh38, 1-based): chrX:31,182,736, A>T on the plus strand (T>A on the coding strand, the complement: DMD is on the minus strand). VCF-style: chrX-31182736-A-T. GRCh37 (hg19) VCF-style: chrX-31200853-A-T.
Other names: IVS68, T-A, +2; c.9950+2T>A (NM_000109.4); c.5951+2T>A (NM_004011.4); c.5942+2T>A (NM_004012.4); c.2594+2T>A (NM_004023.3, NM_004020.4, NM_004022.3 and 2 more transcripts); c.1787+2T>A (NM_004014.3); c.770+2T>A (NM_004018.3, NM_004017.3, NM_004016.3 and 2 more transcripts); c.9962+2T>A (NM_004009.3); and 1 more.
Identifiers: ClinVar variation 11212 (VCV000011212.7), dbSNP rs2148333619, ClinGen allele CA412653256.

ClinVar aggregate classification (germline): Pathogenic. Review status: criteria provided, single submitter (1 of 4 stars). 2 submissions from 2 submitters: Pathogenic (1). 1 of the submissions does not count toward it. Last evaluated 2022-01-27.

Conditions:
Duchenne muscular dystrophy (DMD). Also called: MUSCULAR DYSTROPHY, PSEUDOHYPERTROPHIC PROGRESSIVE, DUCHENNE TYPE; Duchenne Muscular Dystrophy (DMD). Identifiers: Orphanet 98896, MedGen C0013264, MONDO:0010679, OMIM 310200.

Submissions (3):

Labcorp Genetics (formerly Invitae), Labcorp
Classification: Pathogenic for Duchenne muscular dystrophy. Last evaluated: 2022-01-27. Review status: criteria provided, single submitter. Criteria: Invitae Variant Classification Sherloc (09022015). Collection method: clinical testing. Allele origin: germline.
Comment: For these reasons, this variant has been classified as Pathogenic. Algorithms developed to predict the effect of sequence changes on RNA splicing suggest that this variant may disrupt the consensus splice site. ClinVar contains an entry for this variant (Variation ID: 11212). Disruption of this splice site has been observed in individual(s) with Duchenne muscular dystrophy (PMID: 1549596). This variant is not present in population databases (gnomAD no frequency). This sequence change affects a donor splice site in intron 68 of the DMD gene. It is expected to disrupt RNA splicing. Variants that disrupt the donor or acceptor splice site typically lead to a loss of protein function (PMID: 16199547), and loss-of-function variants in DMD are known to be pathogenic (PMID: 16770791, 25007885).

OMIM
Classification: Pathogenic for DUCHENNE MUSCULAR DYSTROPHY. Last evaluated: 1992-03-15. Review status: no assertion criteria provided. Collection method: literature only. Allele origin: germline. Not counted in ClinVar's aggregate classification.

Dr. Peter K. Rogan Lab, Western University
No classification provided (evidence only). Condition: Thyroid cancer, nonmedullary, 1. Review status: no classification provided. Collection method: in vitro. Allele origin: not applicable. Functional consequence: retained intron. Not counted in ClinVar's aggregate classification.

Literature cited by the submitters: PubMed 1549596 (cited by Labcorp Genetics (formerly Invitae), Labcorp and OMIM); PubMed 16199547 (cited by Labcorp Genetics (formerly Invitae), Labcorp); PubMed 16770791 (cited by Labcorp Genetics (formerly Invitae), Labcorp); PubMed 25007885 (cited by Labcorp Genetics (formerly Invitae), Labcorp).